The following is an entry in ClinVar:

ClinVar aggregate classification (germline): Uncertain significance (1 of 4 stars; one submission).

Submission:

CeGaT Center for Human Genetics Tuebingen
Classification: Uncertain significance. Last evaluated: 2024-02-01. Review status: criteria provided, single submitter. Criteria: CeGaT Center For Human Genetics Tuebingen Variant Classification Criteria Version 2. Collection method: clinical testing. Allele origin: germline. Affected: yes. Observed: 1 variant allele.
Comment: HOXD10: PM2

NM_002148.4(HOXD10):c.619G>T (p.Gly207Cys)

Gene: HOXD10 (homeobox D10; plus strand). Cytogenetic location: 2q31.1.
Variant type: single nucleotide variant.
Coding change: c.619G>T on transcript NM_002148.4 (MANE Select); coding-DNA position 619, G replaced by T.
Protein change: p.Gly207Cys; replaces glycine 207 with cysteine.
Molecular consequence: missense variant.
Genome position (GRCh38, 1-based): chr2:176,117,452, G>T. VCF-style: chr2-176117452-G-T. GRCh37 (hg19) VCF-style: chr2-176982180-G-T.
Other names: short protein forms G207C.
Identifiers: ClinVar variation 3025750 (VCV003025750.22), dbSNP rs148563899, ClinGen allele CA60872696.